The following is an entry in ClinVar:

ClinVar aggregate classification (germline): Uncertain significance (1 of 4 stars; one submission).

gnomAD v4.1: 1 of 1,614,174 alleles (0.000062%); highest among the groups gnomAD compares: Non-Finnish European, 0.000085%; no homozygotes.

Submission:

GeneDx
Classification: Uncertain significance. Last evaluated: 2024-09-20. Review status: criteria provided, single submitter. Criteria: GeneDx Variant Classification Process June 2021. Collection method: clinical testing. Allele origin: germline. Affected: yes.
Comment: Not observed at significant frequency in large population cohorts (gnomAD); In silico analysis supports that this missense variant has a deleterious effect on protein structure/function; Has not been previously published as pathogenic or benign to our knowledge

NM_003560.4(PLA2G6):c.119A>G (p.Glu40Gly)

Gene: PLA2G6 (phospholipase A2 group VI; minus strand). Cytogenetic location: 22q13.1.
Variant type: single nucleotide variant.
Coding change: c.119A>G on transcript NM_003560.4 (MANE Select); coding-DNA position 119, A replaced by G.
Protein change: p.Glu40Gly; replaces glutamic acid 40 with glycine.
Molecular consequence: missense variant. On other transcripts: 5 prime UTR variant (3).
Genome position (GRCh38, 1-based): chr22:38,169,308, T>C on the plus strand (A>G on the coding strand, the complement: PLA2G6 is on the minus strand). VCF-style: chr22-38169308-T-C. GRCh37 (hg19) VCF-style: chr22-38565315-T-C.
Other names: c.119A>G, p.Glu40Gly (NM_001004426.3, NM_001199562.3, NM_001349864.2 and 2 more transcripts); c.-547A>G (NM_001349867.2, NM_001349869.2); c.-372A>G (NM_001349868.2); short protein forms E40G.
Identifiers: ClinVar variation 3774119 (VCV003774119.1).